The following is an entry in ClinVar:

ClinVar aggregate classification (germline): Uncertain significance (1 of 4 stars; one submission).

Submission:

ARUP Laboratories, Molecular Genetics and Genomics, ARUP Laboratories
Classification: Uncertain significance. Last evaluated: 2018-01-12. Review status: criteria provided, single submitter. Criteria: ARUP Molecular Germline Variant Investigation Process. Collection method: clinical testing. Allele origin: germline.
Comment: The IGHMBP2 c.2440C>A; p.Gln814Lys variant, to our knowledge, is not reported in the medical literature, gene specific variation databases, nor has it been previously identified by our laboratory. This variant is absent from the general population databases (1000 Genomes Project, Exome Variant Server, Genome Aggregation Database), indicating it is not a common polymorphism. The glutamine at position 814 is moderately conserved, considering 11 species, and computational analyses of the effects of the p.Gln814Lys variant on protein structure and function do not predict a deleterious effect (SIFT: tolerated, MutationTaster: polymorphism, PolyPhen-2: benign). Based on the available information, the clinical significance of the p.Gln814Lys variant cannot be determined with certainty.

NM_002180.3(IGHMBP2):c.2440C>A (p.Gln814Lys)

Gene: IGHMBP2 (immunoglobulin mu DNA binding protein 2; plus strand). Cytogenetic location: 11q13.3.
Variant type: single nucleotide variant.
Coding change: c.2440C>A on transcript NM_002180.3 (MANE Select); coding-DNA position 2440, C replaced by A.
Protein change: p.Gln814Lys; replaces glutamine 814 with lysine.
Molecular consequence: missense variant.
Genome position (GRCh38, 1-based): chr11:68,936,920, C>A. VCF-style: chr11-68936920-C-A. GRCh37 (hg19) VCF-style: chr11-68704388-C-A.
Other names: short protein forms Q814K.
Identifiers: ClinVar variation 618177 (VCV000618177.8), dbSNP rs1566447207, ClinGen allele CA381653638.